The following is an entry in ClinVar:

ClinVar aggregate classification (germline): Conflicting classifications of pathogenicity. Review status: criteria provided, conflicting classifications (1 of 4 stars). 2 submissions from 2 submitters: Uncertain significance (1); Likely benign (1). Last evaluated 2025-07-30.

Allele frequency attached by ClinVar (database versions not stated): gnomAD exomes 0.00001 and 0.00004; gnomAD 0.00002; TOPMed 0.00003; ExAC 0.00005.
gnomAD v4.1: 24 of 1,613,964 alleles (0.0015%); highest among the groups gnomAD compares: Middle Eastern, 0.016%; no homozygotes.

Submissions (2):

Labcorp Genetics (formerly Invitae), Labcorp
Classification: Uncertain significance. Last evaluated: 2025-07-30. Review status: criteria provided, single submitter. Criteria: Invitae Variant Classification Sherloc (09022015). Collection method: clinical testing. Allele origin: germline.
Comment: This sequence change replaces arginine, which is basic and polar, with histidine, which is basic and polar, at codon 3749 of the KMT2A protein (p.Arg3749His). This variant is present in population databases (rs781945281, gnomAD 0.02%). This missense change has been observed in individual(s) with acute lymphoblastic leukemia, intellectual disability and/or neurodevelopmental disorders (PMID: 28191889, 31102422, 33004838). ClinVar contains an entry for this variant (Variation ID: 1517628). Invitae Evidence Modeling of protein sequence and biophysical properties (such as structural, functional, and spatial information, amino acid conservation, physicochemical variation, residue mobility, and thermodynamic stability) indicates that this missense variant is not expected to disrupt KMT2A protein function with a negative predictive value of 95%. In summary, the available evidence is currently insufficient to determine the role of this variant in disease. Therefore, it has been classified as a Variant of Uncertain Significance.

GeneDx
Classification: Likely benign. Last evaluated: 2022-08-09. Review status: criteria provided, single submitter. Criteria: GeneDx Variant Classification Process June 2021. Collection method: clinical testing. Allele origin: germline. Affected: yes.
Comment: See Variant Classification Assertion Criteria.

Literature cited by the submitters: PubMed 28191889 (cited by Labcorp Genetics (formerly Invitae), Labcorp); PubMed 31102422 (cited by Labcorp Genetics (formerly Invitae), Labcorp); PubMed 33004838 (cited by Labcorp Genetics (formerly Invitae), Labcorp).

NM_001197104.2(KMT2A):c.11246G>A (p.Arg3749His)

Genes: TTC36-AS1 (TTC36 and KMT2A antisense RNA 1; minus strand), KMT2A (lysine methyltransferase 2A; plus strand). Cytogenetic location: 11q23.3.
Variant type: single nucleotide variant.
Coding change: c.11246G>A on transcript NM_001197104.2 (MANE Select); coding-DNA position 11246, G replaced by A.
Protein change: p.Arg3749His; replaces arginine 3749 with histidine.
Molecular consequence: missense variant.
Genome position (GRCh38, 1-based): chr11:118,519,717, G>A. VCF-style: chr11-118519717-G-A. GRCh37 (hg19) VCF-style: chr11-118390432-G-A.
Other names: c.11237G>A, p.Arg3746His (NM_005933.4); short protein forms R3746H, R3749H.
Identifiers: ClinVar variation 1517628 (VCV001517628.9), dbSNP rs781945281, ClinGen allele CA6304935.